The following is an entry in ClinVar:

NM_002439.5(MSH3):c.3001G>T (p.Val1001Leu)

Gene: MSH3 (mutS homolog 3; plus strand). Cytogenetic location: 5q14.1.
Variant type: single nucleotide variant.
Coding change: c.3001G>T on transcript NM_002439.5 (MANE Select); coding-DNA position 3001, G replaced by T.
Protein change: p.Val1001Leu; replaces valine 1001 with leucine.
Molecular consequence: missense variant.
Genome position (GRCh38, 1-based): chr5:80,864,813, G>T. VCF-style: chr5-80864813-G-T. GRCh37 (hg19) VCF-style: chr5-80160632-G-T.
Other names: short protein forms V1001L.
Identifiers: ClinVar variation 2451080 (VCV002451080.4), dbSNP rs2478788974, ClinGen allele CA360346025.

ClinVar aggregate classification (germline): Conflicting classifications of pathogenicity. Review status: criteria provided, conflicting classifications (1 of 4 stars). 2 submissions from 2 submitters: Likely pathogenic (1); Uncertain significance (1). Last evaluated 2025-02-17.

Conditions:
Hereditary cancer-predisposing syndrome. Also called: Neoplastic Syndromes, Hereditary; Tumor predisposition; Hereditary neoplastic syndrome; Hereditary Cancer Syndrome. Identifiers: Orphanet 140162, MedGen C0027672, MeSH D009386, MONDO:0015356.

Submissions (2):

Labcorp Genetics (formerly Invitae), Labcorp
Classification: Likely pathogenic. Last evaluated: 2025-02-17. Review status: criteria provided, single submitter. Criteria: Invitae Variant Classification Sherloc (09022015). Collection method: clinical testing. Allele origin: germline.
Comment: This sequence change replaces valine, which is neutral and non-polar, with leucine, which is neutral and non-polar, at codon 1001 of the MSH3 protein (p.Val1001Leu). RNA analysis indicates that this missense change induces altered splicing and may result in an absent or altered protein product. This variant is not present in population databases (gnomAD no frequency). This variant has not been reported in the literature in individuals affected with MSH3-related conditions. ClinVar contains an entry for this variant (Variation ID: 2451080). An algorithm developed to predict the effect of missense changes on protein structure and function (PolyPhen-2) suggests that this variant is likely to be disruptive. Studies have shown that this missense change results in activation of a cryptic splice site, and produces a non-functional protein and/or introduces a premature termination codon (internal data). In summary, the currently available evidence indicates that the variant is pathogenic, but additional data are needed to prove that conclusively. Therefore, this variant has been classified as Likely Pathogenic.

Ambry Genetics
Classification: Uncertain significance for Hereditary cancer-predisposing syndrome. Last evaluated: 2023-03-02. Review status: criteria provided, single submitter. Criteria: Ambry Variant Classification Scheme 2023. Collection method: clinical testing. Allele origin: germline.
Comment: The p.V1001L variant (also known as c.3001G>T), located in coding exon 22 of the MSH3 gene, results from a G to T substitution at nucleotide position 3001. This variant impacts the first base pair of coding exon 22. The valine at codon 1001 is replaced by leucine, an amino acid with highly similar properties. This amino acid position is highly conserved in available vertebrate species. In addition, the in silico prediction for this alteration is inconclusive. Since supporting evidence is limited at this time, the clinical significance of this alteration remains unclear.